The following is an entry in ClinVar:

NM_144670.6(A2ML1):c.617T>G (p.Phe206Cys)

Gene: A2ML1 (alpha-2-macroglobulin like 1; plus strand). Cytogenetic location: 12p13.31.
Variant type: single nucleotide variant.
Coding change: c.617T>G on transcript NM_144670.6 (MANE Select); coding-DNA position 617, T replaced by G.
Protein change: p.Phe206Cys; replaces phenylalanine 206 with cysteine.
Molecular consequence: missense variant.
Genome position (GRCh38, 1-based): chr12:8,835,640, T>G. VCF-style: chr12-8835640-T-G. GRCh37 (hg19) VCF-style: chr12-8988236-T-G.
Other names: short protein forms F206C.
Identifiers: ClinVar variation 3705393 (VCV003705393.2).
Genomic context (GRCh38, chr12:8,835,640, plus strand): 5'-AACTGGCACCAGAGGCAATGCTGGGCACCTACACTGTGGCAGTGGCTGAGGGCAAGACCT[T>G]TGGTACTTTCAGTGTGGAGGAATATGGTAGGTGGGGAAATGGACAGGCCAAAGTATTGGG-3'
Protein context (NP_653271.3, residues 196-216): YTVAVAEGKT[Phe206Cys]GTFSVEEYVL

ClinVar aggregate classification (germline): Uncertain significance (1 of 4 stars; one submission).

gnomAD v4.1: 3 of 1,613,952 alleles (0.00019%); highest among the groups gnomAD compares: Non-Finnish European, 0.00025%; no homozygotes.

Submission:

Labcorp Genetics (formerly Invitae), Labcorp
Classification: Uncertain significance. Last evaluated: 2024-05-23. Review status: criteria provided, single submitter. Criteria: Invitae Variant Classification Sherloc (09022015). Collection method: clinical testing. Allele origin: germline.
Comment: This sequence change replaces phenylalanine, which is neutral and non-polar, with cysteine, which is neutral and slightly polar, at codon 206 of the A2ML1 protein (p.Phe206Cys). This variant is present in population databases (no rsID available, gnomAD 0.0009%). This variant has not been reported in the literature in individuals affected with A2ML1-related conditions. An algorithm developed to predict the effect of missense changes on protein structure and function (PolyPhen-2) suggests that this variant is likely to be disruptive. In summary, the available evidence is currently insufficient to determine the role of this variant in disease. Therefore, it has been classified as a Variant of Uncertain Significance.